The following is an entry in ClinVar:

NM_183357.3(ADCY5):c.3742G>A (p.Glu1248Lys)

Gene: ADCY5 (adenylate cyclase 5; minus strand). Cytogenetic location: 3q21.1.
Variant type: single nucleotide variant.
Coding change: c.3742G>A on transcript NM_183357.3 (MANE Select); coding-DNA position 3742, G replaced by A.
Protein change: p.Glu1248Lys; replaces glutamic acid 1248 with lysine.
Molecular consequence: missense variant.
Genome position (GRCh38, 1-based): chr3:123,284,652, C>T on the plus strand (G>A on the coding strand, the complement: ADCY5 is on the minus strand). VCF-style: chr3-123284652-C-T. GRCh37 (hg19) VCF-style: chr3-123003499-C-T.
Other names: c.2692G>A, p.Glu898Lys (NM_001199642.1); c.3817G>A, p.Glu1273Lys (NM_001378259.1); short protein forms E898K, E1248K, E1273K.
Identifiers: ClinVar variation 2987356 (VCV002987356.3), dbSNP rs945526595, ClinGen allele CA82899751.

ClinVar aggregate classification (germline): Uncertain significance (1 of 4 stars; one submission).

Allele frequency attached by ClinVar (database versions not stated): gnomAD 0.00001; gnomAD exomes 0.00001; TOPMed 0.00001.
gnomAD v4.1: 10 of 1,614,146 alleles (0.00062%); highest among the groups gnomAD compares: African/African-American, 0.0027%; no homozygotes.

Submission:

Labcorp Genetics (formerly Invitae), Labcorp
Classification: Uncertain significance. Last evaluated: 2024-08-11. Review status: criteria provided, single submitter. Criteria: Invitae Variant Classification Sherloc (09022015). Collection method: clinical testing. Allele origin: germline.
Comment: This sequence change replaces glutamic acid, which is acidic and polar, with lysine, which is basic and polar, at codon 1248 of the ADCY5 protein (p.Glu1248Lys). This variant is not present in population databases (gnomAD no frequency). This variant has not been reported in the literature in individuals affected with ADCY5-related conditions. Advanced modeling of protein sequence and biophysical properties (such as structural, functional, and spatial information, amino acid conservation, physicochemical variation, residue mobility, and thermodynamic stability) has been performed at Invitae for this missense variant, however the output from this modeling did not meet the statistical confidence thresholds required to predict the impact of this variant on ADCY5 protein function. Algorithms developed to predict the effect of sequence changes on RNA splicing suggest that this variant may create or strengthen a splice site. In summary, the available evidence is currently insufficient to determine the role of this variant in disease. Therefore, it has been classified as a Variant of Uncertain Significance.